The following is an entry in ClinVar:

NM_000551.4(VHL):c.344A>G (p.His115Arg)

Genes: VHL (von Hippel-Lindau tumor suppressor; plus strand), LOC107303340 (3p25 von Hippel-Lindau tumor suppressor, E3 ubiquitin protein ligase Alu-mediated recombination region; plus strand). Cytogenetic location: 3p25.3.
Variant type: single nucleotide variant.
Coding change: c.344A>G on transcript NM_000551.4 (MANE Select); coding-DNA position 344, A replaced by G.
Protein change: p.His115Arg; replaces histidine 115 with arginine.
Molecular consequence: missense variant. On other transcripts: intron variant (2).
Genome position (GRCh38, 1-based): chr3:10,146,517, A>G. VCF-style: chr3-10146517-A-G. GRCh37 (hg19) VCF-style: chr3-10188201-A-G.
Other names: c.*18-3270A>G (NM_001354723.2); c.341-3270A>G (NM_198156.3); short protein forms H115R.
Identifiers: ClinVar variation 664415 (VCV000664415.10), dbSNP rs5030812, ClinGen allele CA70049376.
Genomic context (GRCh38, chr3:10,146,517, plus strand): 5'-GGCCACCGTGCCCAGCCACCGGTGTGGCTCTTTAACAACCTTTGCTTGTCCCGATAGGTC[A>G]CCTTTGGCTCTTCAGAGATGCAGGGACACACGATGGGCTTCTGGTTAACCAAACTGAATT-3'
Protein context (NP_000542.1, residues 105-125): TGRRIHSYRG[His115Arg]LWLFRDAGTH

ClinVar aggregate classification (germline): Pathogenic. Review status: criteria provided, multiple submitters, no conflicts (2 of 4 stars). 2 submissions from 2 submitters: Pathogenic (2). Last evaluated 2023-08-04.

Conditions:
Von Hippel-Lindau syndrome (VHLS). Also called: Von Hippel-Lindau; VHL syndrome; von Hippel–Lindau syndrome. Identifiers: Orphanet 892, MedGen C0019562, MONDO:0008667, OMIM 193300. Disease mechanism: loss of function.
Chuvash polycythemia. Also called: POLYCYTHEMIA, VHL-DEPENDENT. Identifiers: Orphanet 238557, MedGen C1837915, MONDO:0009892, OMIM 263400.
Hereditary cancer-predisposing syndrome. Also called: Neoplastic Syndromes, Hereditary; Hereditary neoplastic syndrome; Tumor predisposition; Hereditary Cancer Syndrome. Identifiers: Orphanet 140162, MedGen C0027672, MeSH D009386, MONDO:0015356.

Submissions (2):

Labcorp Genetics (formerly Invitae), Labcorp
Classification: Pathogenic for Von Hippel-Lindau syndrome; Chuvash polycythemia. Last evaluated: 2023-08-04. Review status: criteria provided, single submitter. Criteria: Invitae Variant Classification Sherloc (09022015). Collection method: clinical testing. Allele origin: germline.
Comment: ClinVar contains an entry for this variant (Variation ID: 664415). Advanced modeling of protein sequence and biophysical properties (such as structural, functional, and spatial information, amino acid conservation, physicochemical variation, residue mobility, and thermodynamic stability) performed at Invitae indicates that this missense variant is expected to disrupt VHL protein function. Experimental studies are conflicting or provide insufficient evidence to determine the effect of this variant on VHL function (PMID: 14556007). This variant disrupts the p.His115 amino acid residue in VHL. Other variant(s) that disrupt this residue have been observed in individuals with VHL-related conditions (PMID: 7728151, 9829912, 12202531, 17024664, 29749453), which suggests that this may be a clinically significant amino acid residue. For these reasons, this variant has been classified as Pathogenic. This variant is also known as 557A>G. This sequence change replaces histidine, which is basic and polar, with arginine, which is basic and polar, at codon 115 of the VHL protein (p.His115Arg). This variant is not present in population databases (gnomAD no frequency). This missense change has been observed in individuals with von Hippel-Lindau syndrome (PMID: 8707293, 22357542).

Ambry Genetics
Classification: Pathogenic for Hereditary cancer-predisposing syndrome. Last evaluated: 2022-11-16. Review status: criteria provided, single submitter. Criteria: Ambry Variant Classification Scheme 2023. Collection method: clinical testing. Allele origin: germline.
Comment: The p.H115R pathogenic mutation (also known as c.344A>G), located in coding exon 2 of the VHL gene, results from an A to G substitution at nucleotide position 344. The histidine at codon 115 is replaced by arginine, an amino acid with highly similar properties. This alteration has been reported in multiple individuals with a clinical diagnosis of von Hippel-Lindau disease (VHL) (Glavac D et al. Hum Genet, 1996 Sep;98:271-80; Wu P et al. J Hum Genet, 2012 Apr;57:238-43). This amino acid position is highly conserved in available vertebrate species. This variant is considered to be rare based on population cohorts in the Genome Aggregation Database (gnomAD). In addition, this alteration is predicted to be deleterious by in silico analysis. Based on the supporting evidence, this alteration is interpreted as a disease-causing mutation.

Literature cited by the submitters: PubMed 14556007 (cited by Labcorp Genetics (formerly Invitae), Labcorp); PubMed 7728151 (cited by Labcorp Genetics (formerly Invitae), Labcorp); PubMed 9829912 (cited by Labcorp Genetics (formerly Invitae), Labcorp); PubMed 12202531 (cited by Labcorp Genetics (formerly Invitae), Labcorp); PubMed 17024664 (cited by Labcorp Genetics (formerly Invitae), Labcorp); PubMed 29749453 (cited by Labcorp Genetics (formerly Invitae), Labcorp); PubMed 8707293 (cited by Labcorp Genetics (formerly Invitae), Labcorp and Ambry Genetics); PubMed 22357542 (cited by Labcorp Genetics (formerly Invitae), Labcorp and Ambry Genetics).